The following is an entry in ClinVar:

ClinVar aggregate classification (germline): Pathogenic (1 of 4 stars; one submission).

Conditions:
Junctional epidermolysis bullosa. Identifiers: Orphanet 305, MedGen C0079301, MONDO:0017612.

Submission:

Myriad Genetics, Inc.
Classification: Pathogenic for Junctional epidermolysis bullosa. Last evaluated: 2026-04-24. Review status: criteria provided, single submitter. Criteria: Myriad Autosomal Dominant, Autosomal Recessive and X-Linked Classification Criteria (2023). Collection method: clinical testing. Allele origin: unknown.
Comment: NM_005562.2(LAMC2):c.1735_1736delGG(G579Lfs*9) is expected to be pathogenic in the context of junctional epidermolysis bullosa, LAMC2-related. This variant is predicted to lead to an abnormal or absent protein product due to the creation of a premature termination codon in LAMC2, a gene where loss-of-function variants are known to be pathogenic. Please note: this variant was assessed in the context of healthy population screening.

NM_005562.3(LAMC2):c.1735_1736del (p.Gly579fs)

Gene: LAMC2 (laminin subunit gamma 2; plus strand). Cytogenetic location: 1q25.3.
Variant type: Deletion.
Coding change: c.1735_1736del on transcript NM_005562.3 (MANE Select); coding-DNA positions 1735 to 1736, 2 bases deleted (GG; older notation c.1735_1736delGG).
Protein change: p.Gly579fs; shifts the reading frame from glycine 579.
Molecular consequence: frameshift variant.
Genome position (GRCh38, 1-based): chr1:183,230,981-183,230,982, GG deleted; deleting any 2 consecutive bases within chr1:183,230,980-183,230,982 gives the same sequence; the c. name uses the placement nearest the transcript's 3' end. VCF-style (leftmost placement, unchanged base first): chr1-183230979-TGG-T. GRCh37 (hg19) VCF-style: chr1-183200114-TGG-T.
Other names: c.1735_1736del, p.Gly579fs (NM_018891.3); short protein forms G579fs.
Identifiers: ClinVar variation 5015829 (VCV005015829.1).